The following is an entry in ClinVar:

NM_001142800.2(EYS):c.-525T>G

Gene: EYS (EGF-like photoreceptor maintenance factor; minus strand). Cytogenetic location: 6q12.
Variant type: single nucleotide variant.
Coding change: c.-525T>G on transcript NM_001142800.2 (MANE Select); 525 bases upstream of the start codon, T replaced by G.
Molecular consequence: 5 prime UTR variant.
Genome position (GRCh38, 1-based): chr6:65,707,212, A>C on the plus strand (T>G on the coding strand, the complement: EYS is on the minus strand). VCF-style: chr6-65707212-A-C. GRCh37 (hg19) VCF-style: chr6-66417105-A-C.
Other names: c.-525T>G (NM_001142801.2, NM_001292009.2, NM_001142800.1).
Identifiers: ClinVar variation 1396496 (VCV001396496.5), dbSNP rs148352900, ClinGen allele CA140459996.

ClinVar aggregate classification (germline): Conflicting classifications of pathogenicity. Review status: criteria provided, conflicting classifications (1 of 4 stars). 2 submissions from 2 submitters: Uncertain significance (1); Likely benign (1). Last evaluated 2025-11-18.

Conditions:
EYS-related disorder. Also called: EYS-related condition.

Allele frequency attached by ClinVar (database versions not stated): TOPMed 0.00020; gnomAD 0.00025 and 0.00026; 1000 Genomes Project 30x 0.00031; 1000 Genomes Project 0.00040.
gnomAD v4.1: 37 of 152,308 alleles (0.024%); highest among the groups gnomAD compares: Middle Eastern, 0.34%; no homozygotes.

Submissions (2):

Labcorp Genetics (formerly Invitae), Labcorp
Classification: Uncertain significance. Last evaluated: 2025-11-18. Review status: criteria provided, single submitter. Criteria: Invitae Variant Classification Sherloc (09022015). Collection method: clinical testing. Allele origin: germline.
Comment: This variant occurs in a non-coding region of the EYS gene. It does not change the encoded amino acid sequence of the EYS protein. This variant is present in population databases (rs148352900, gnomAD 0.06%). This variant has not been reported in the literature in individuals affected with EYS-related conditions. ClinVar contains an entry for this variant (Variation ID: 1396496). Experimental studies and prediction algorithms are not available or were not evaluated, and the functional significance of this variant is currently unknown. In summary, the available evidence is currently insufficient to determine the role of this variant in disease. Therefore, it has been classified as a Variant of Uncertain Significance.

PreventionGenetics, part of Exact Sciences
Classification: Likely benign for EYS-related condition. Last evaluated: 2025-02-05. Review status: criteria provided, single submitter. Criteria: ACMG Guidelines, 2015. Collection method: clinical testing. Allele origin: germline.
Comment: This variant is classified as likely benign based on ACMG/AMP sequence variant interpretation guidelines (Richards et al. 2015 PMID: 25741868, with internal and published modifications).